The following is an entry in ClinVar:

NM_033380.3(COL4A5):c.1814del (p.Pro605fs)

Gene: COL4A5 (collagen type IV alpha 5 chain; plus strand). Cytogenetic location: Xq22.3.
Variant type: Deletion.
Coding change: c.1814del on transcript NM_033380.3 (MANE Select); coding-DNA position 1814, one base deleted (C; older notation c.1814delC).
Protein change: p.Pro605fs; shifts the reading frame from proline 605.
Molecular consequence: frameshift variant.
Genome position (GRCh38, 1-based): chrX:108,598,736, C deleted; the last of 5 consecutive C bases (chrX:108,598,732-108,598,736); deleting any one gives the same sequence. VCF-style (leftmost placement, unchanged base first): chrX-108598731-TC-T. GRCh37 (hg19) VCF-style: chrX-107841961-TC-T.
Other names: c.1814del, p.Pro605fs (NM_000495.5); short protein forms P605fs.
Identifiers: ClinVar variation 3901915 (VCV003901915.1).

ClinVar aggregate classification (germline): Pathogenic (1 of 4 stars; one submission).

Conditions:
X-linked Alport syndrome (ATS1). Also called: NEPHROPATHY AND DEAFNESS, X-LINKED; COL4A5-Related Nephropathy. Identifiers: Orphanet 63, Orphanet 88917, MedGen C4746986, MONDO:0010520, OMIM 301050.

Submission:

Laboratorio de Genetica e Diagnostico Molecular, Hospital Israelita Albert Einstein
Classification: Pathogenic for X-linked Alport syndrome. Last evaluated: 2023-04-28. Review status: criteria provided, single submitter. Criteria: ACMG Guidelines, 2015. Collection method: clinical testing. Allele origin: germline. Affected: yes.
Comment: ACMG classification criteria: PVS1 very strong, PS4 supporting, PM2 moderate